The following is an entry in ClinVar:

ClinVar aggregate classification (germline): Pathogenic. Review status: reviewed by expert panel (3 of 4 stars). 2 submissions from 2 submitters: Pathogenic (1). 1 of the submissions does not count toward it. Last evaluated 2016-10-18.

Conditions:
Breast-ovarian cancer, familial, susceptibility to, 1 (BROVCA1). Also called: BRCA1 Hereditary Breast and Ovarian Cancer; OVARIAN CANCER, SUSCEPTIBILITY TO. Identifiers: Orphanet 145, MedGen C2676676, MONDO:0011450, OMIM 604370. Disease mechanism: loss of function.

Submissions (2):

Evidence-based Network for the Interpretation of Germline Mutant Alleles (ENIGMA)
Classification: Pathogenic for Breast-ovarian cancer, familial, susceptibility to, 1. Last evaluated: 2016-10-18. Review status: reviewed by expert panel. Criteria: ENIGMA BRCA1/2 Classification Criteria (2015). Collection method: curation. Allele origin: germline.
Comment: Variant allele predicted to encode a truncated non-functional protein.

Consortium of Investigators of Modifiers of BRCA1/2 (CIMBA), c/o University of Cambridge
Classification: Pathogenic for Breast-ovarian cancer, familial, susceptibility to, 1. Last evaluated: 2015-10-02. Review status: criteria provided, single submitter. Criteria: CIMBA Mutation Classification guidelines May 2016. Collection method: clinical testing. Allele origin: germline. Not counted in ClinVar's aggregate classification.

NM_007294.4(BRCA1):c.4758_4759insA (p.Ser1587fs)

Gene: BRCA1 (BRCA1 DNA repair associated; minus strand). Cytogenetic location: 17q21.31.
Variant type: Insertion.
Coding change: c.4758_4759insA on transcript NM_007294.4 (MANE Select); coding-DNA positions 4758 to 4759, A inserted.
Protein change: p.Ser1587fs; shifts the reading frame from serine 1587.
Molecular consequence: frameshift variant. On other transcripts: non-coding transcript variant (1).
Genome position: GRCh38 VCF-style: chr17-43071155-A-AT. GRCh37 (hg19) VCF-style: chr17-41223172-A-AT.
Other names: 4877insA-ter1621; c.4617_4618insA, p.Ser1540Ilefs (NM_001407725.1, NM_001407726.1, NM_001407727.1 and 12 more transcripts); c.4614_4615insA, p.Ser1539Ilefs (NM_001407732.1, NM_001407733.1, NM_001407734.1 and 21 more transcripts); c.4611_4612insA, p.Ser1538Ilefs (NM_001407838.1, NM_001407839.1, NM_001407841.1 and 12 more transcripts); c.4758_4759insA, p.Ser1587Ilefs (NM_001407854.1, NM_001407593.1, NM_001407594.1 and 8 more transcripts); c.4755_4756insA, p.Ser1586Ilefs (NM_001407858.1, NM_001407859.1, NM_001407860.1 and 17 more transcripts); c.4752_4753insA, p.Ser1585Ilefs (NM_001407861.1, NM_001407627.1, NM_001407628.1 and 14 more transcripts); c.4557_4558insA, p.Ser1520Ilefs (NM_001407862.1); and 74 more; short protein forms S1587fs, S1540fs, S483fs, S1608fs.
Identifiers: ClinVar variation 266494 (VCV000266494.6), dbSNP rs886040247, ClinGen allele CA10589645.